The following is an entry in ClinVar:

NM_031229.4(RBCK1):c.1189G>A (p.Val397Ile)

Gene: RBCK1 (RANBP2-type and C3HC4-type zinc finger containing 1; plus strand). Cytogenetic location: 20p13.
Variant type: single nucleotide variant.
Coding change: c.1189G>A on transcript NM_031229.4 (MANE Select); coding-DNA position 1189, G replaced by A.
Protein change: p.Val397Ile; replaces valine 397 with isoleucine.
Molecular consequence: missense variant. On other transcripts: non-coding transcript variant (1).
Genome position (GRCh38, 1-based): chr20:427,472, G>A. VCF-style: chr20-427472-G-A. GRCh37 (hg19) VCF-style: chr20-408116-G-A.
Other names: c.679G>A, p.Val227Ile (NM_001323956.2, NM_001323958.2); c.1063G>A, p.Val355Ile (NM_006462.6); short protein forms V397I, V227I, V355I.
Identifiers: ClinVar variation 451493 (VCV000451493.11), dbSNP rs538961301, ClinGen allele CA9723284.

ClinVar aggregate classification (germline): Uncertain significance. Review status: criteria provided, multiple submitters, no conflicts (2 of 4 stars). 3 submissions from 3 submitters: Uncertain significance (3). Last evaluated 2025-12-04.

Conditions:
Polyglucosan body myopathy type 1 (PGBM1). Also called: POLYGLUCOSAN BODY MYOPATHY WITHOUT IMMUNODEFICIENCY; Polyglucosan body myopathy 1 with or without immunodeficiency. Identifiers: Orphanet 329173, Orphanet 397937, MedGen C4014605, MONDO:0014389, OMIM 615895.
Inborn genetic diseases. Identifiers: MedGen C0950123, MeSH D030342.

Allele frequency attached by ClinVar (database versions not stated): gnomAD exomes 0.00006 and 0.00008; ExAC 0.00003; TOPMed 0.00004; gnomAD 0.00009 and 0.00010.
gnomAD v4.1: 102 of 1,613,452 alleles (0.0063%); highest among the groups gnomAD compares: African/African-American, 0.008%; no homozygotes.

Submissions (3):

Ambry Genetics
Classification: Uncertain significance for Inborn genetic diseases. Last evaluated: 2025-12-04. Review status: criteria provided, single submitter. Criteria: Ambry Variant Classification Scheme 2023. Collection method: clinical testing. Allele origin: germline.

Labcorp Genetics (formerly Invitae), Labcorp
Classification: Uncertain significance for Polyglucosan body myopathy type 1. Last evaluated: 2023-08-17. Review status: criteria provided, single submitter. Criteria: Invitae Variant Classification Sherloc (09022015). Collection method: clinical testing. Allele origin: germline.
Comment: In summary, the available evidence is currently insufficient to determine the role of this variant in disease. Therefore, it has been classified as a Variant of Uncertain Significance. Advanced modeling of protein sequence and biophysical properties (such as structural, functional, and spatial information, amino acid conservation, physicochemical variation, residue mobility, and thermodynamic stability) performed at Invitae indicates that this missense variant is not expected to disrupt RBCK1 protein function. ClinVar contains an entry for this variant (Variation ID: 451493). This variant has not been reported in the literature in individuals affected with RBCK1-related conditions. This variant is present in population databases (rs538961301, gnomAD 0.02%). This sequence change replaces valine, which is neutral and non-polar, with isoleucine, which is neutral and non-polar, at codon 397 of the RBCK1 protein (p.Val397Ile).

GeneDx
Classification: Uncertain significance. Last evaluated: 2017-08-18. Review status: criteria provided, single submitter. Criteria: GeneDx Variant Classification (06012015). Collection method: clinical testing. Allele origin: germline. Affected: yes.
Comment: The V397I variant in the RBCK1 gene has not been reported previously as a pathogenic variant, nor as a benign variant, to our knowledge. The V397I variant is not observed at a significant frequency in large population cohorts (Lek et al., 2016; 1000 Genomes Consortium et al., 2015; Exome Variant Server). The V397I variant is a conservative amino acid substitution, which is not likely to impact secondary protein structure as these residues share similar properties. This substitution occurs at a position that is not conserved. In silico analysis is inconsistent in its predictions as to whether or not the variant is damaging to the protein structure/function. We interpret V397I as a variant of uncertain significance.